The following is an entry in ClinVar:

ClinVar aggregate classification (germline): Uncertain significance. Review status: criteria provided, multiple submitters, no conflicts (2 of 4 stars). 2 submissions from 2 submitters: Uncertain significance (2). Last evaluated 2025-04-10.

Allele frequency attached by ClinVar (database versions not stated): ExAC 0.00005; TOPMed 0.00006; gnomAD 0.00009; gnomAD exomes 0.00011.

Submissions (2):

Ambry Genetics
Classification: Uncertain significance. Last evaluated: 2025-04-10. Review status: criteria provided, single submitter. Criteria: Ambry Variant Classification Scheme 2023. Collection method: clinical testing. Allele origin: germline.

Labcorp Genetics (formerly Invitae), Labcorp
Classification: Uncertain significance. Last evaluated: 2024-05-07. Review status: criteria provided, single submitter. Criteria: Invitae Variant Classification Sherloc (09022015). Collection method: clinical testing. Allele origin: germline.
Comment: This sequence change replaces glycine, which is neutral and non-polar, with glutamic acid, which is acidic and polar, at codon 60 of the SLC10A2 protein (p.Gly60Glu). This variant is present in population databases (rs201392859, gnomAD 0.008%). This variant has not been reported in the literature in individuals affected with SLC10A2-related conditions. ClinVar contains an entry for this variant (Variation ID: 2180631). Advanced modeling of protein sequence and biophysical properties (such as structural, functional, and spatial information, amino acid conservation, physicochemical variation, residue mobility, and thermodynamic stability) performed at Invitae indicates that this missense variant is not expected to disrupt SLC10A2 protein function with a negative predictive value of 80%. In summary, the available evidence is currently insufficient to determine the role of this variant in disease. Therefore, it has been classified as a Variant of Uncertain Significance.

NM_000452.3(SLC10A2):c.179G>A (p.Gly60Glu)

Gene: SLC10A2 (solute carrier family 10 member 2; minus strand). Cytogenetic location: 13q33.1.
Variant type: single nucleotide variant.
Coding change: c.179G>A on transcript NM_000452.3 (MANE Select); coding-DNA position 179, G replaced by A.
Protein change: p.Gly60Glu; replaces glycine 60 with glutamic acid.
Molecular consequence: missense variant.
Genome position (GRCh38, 1-based): chr13:103,066,071, C>T on the plus strand (G>A on the coding strand, the complement: SLC10A2 is on the minus strand). VCF-style: chr13-103066071-C-T. GRCh37 (hg19) VCF-style: chr13-103718421-C-T.
Other names: c.179G>A (NM_000452.2); short protein forms G60E.
Identifiers: ClinVar variation 2180631 (VCV002180631.7), dbSNP rs201392859, ClinGen allele CA7042321.